The following is an entry in ClinVar:

ClinVar aggregate classification (germline): Conflicting classifications of pathogenicity. Review status: criteria provided, conflicting classifications (1 of 4 stars). 3 submissions from 3 submitters: Uncertain significance (2); Likely benign (1). Last evaluated 2024-09-20.

Conditions:
Autosomal recessive spastic paraplegia type 78. Identifiers: Orphanet 513436, MedGen C5567893, MONDO:0014975, OMIM 617225.
Kufor-Rakeb syndrome (KRS). Also called: PARKINSON DISEASE 9, AUTOSOMAL RECESSIVE, JUVENILE-ONSET. Identifiers: Orphanet 306674, Orphanet 314632, MedGen C1847640, MONDO:0011706, OMIM 606693.

Allele frequency attached by ClinVar (database versions not stated): gnomAD 0.00002; TOPMed 0.00003; gnomAD exomes 0.00004 and 0.00005; ExAC 0.00007.
gnomAD v4.1: 75 of 1,613,702 alleles (0.0046%); highest among the groups gnomAD compares: South Asian, 0.011%; no homozygotes.

Submissions (3):

3billion
Classification: Likely benign for Kufor-Rakeb syndrome; Autosomal recessive spastic paraplegia type 78. Last evaluated: 2024-09-20. Review status: criteria provided, single submitter. Criteria: ACMG Guidelines, 2015. Collection method: clinical testing. Allele origin: germline. Affected: no.
Comment: The homozygous variant was found in patients diagnosed with another variant in a different gene, with no symptoms related to the gene containing the homozygous variant.

Fulgent Genetics
Classification: Uncertain significance for Kufor-Rakeb syndrome; Autosomal recessive spastic paraplegia type 78. Last evaluated: 2024-04-16. Review status: criteria provided, single submitter. Criteria: ACMG Guidelines, 2015. Collection method: clinical testing. Allele origin: germline.

Labcorp Genetics (formerly Invitae), Labcorp
Classification: Uncertain significance for Kufor-Rakeb syndrome; Autosomal recessive spastic paraplegia type 78. Last evaluated: 2022-03-02. Review status: criteria provided, single submitter. Criteria: Invitae Variant Classification Sherloc (09022015). Collection method: clinical testing. Allele origin: germline.
Comment: This sequence change replaces glutamic acid, which is acidic and polar, with lysine, which is basic and polar, at codon 367 of the ATP13A2 protein (p.Glu367Lys). This variant is present in population databases (rs770576740, gnomAD 0.01%). This variant has not been reported in the literature in individuals affected with ATP13A2-related conditions. Advanced modeling of protein sequence and biophysical properties (such as structural, functional, and spatial information, amino acid conservation, physicochemical variation, residue mobility, and thermodynamic stability) performed at Invitae indicates that this missense variant is not expected to disrupt ATP13A2 protein function. In summary, the available evidence is currently insufficient to determine the role of this variant in disease. Therefore, it has been classified as a Variant of Uncertain Significance.

NM_022089.4(ATP13A2):c.1099G>A (p.Glu367Lys)

Gene: ATP13A2 (ATPase cation transporting 13A2; minus strand). Cytogenetic location: 1p36.13.
Variant type: single nucleotide variant.
Coding change: c.1099G>A on transcript NM_022089.4 (MANE Select); coding-DNA position 1099, G replaced by A.
Protein change: p.Glu367Lys; replaces glutamic acid 367 with lysine.
Molecular consequence: missense variant.
Genome position (GRCh38, 1-based): chr1:16,997,116, C>T on the plus strand (G>A on the coding strand, the complement: ATP13A2 is on the minus strand). VCF-style: chr1-16997116-C-T. GRCh37 (hg19) VCF-style: chr1-17323611-C-T.
Other names: c.1084G>A, p.Glu362Lys (NM_001141973.3, NM_001141974.3); short protein forms E362K, E367K.
Identifiers: ClinVar variation 1414182 (VCV001414182.5), dbSNP rs770576740, ClinGen allele CA637370.